The following is an entry in ClinVar:

ClinVar aggregate classification (germline): Conflicting classifications of pathogenicity. Review status: criteria provided, conflicting classifications (1 of 4 stars). 7 submissions from 7 submitters: Uncertain significance (5); Likely benign (2). Last evaluated 2025-08-24.

Conditions:
FLNC-related disorder. Also called: FLNC-related condition; FLNC-related disorders.
Cardiovascular phenotype. Identifiers: MedGen CN230736.
Distal myopathy with posterior leg and anterior hand involvement. Also called: WILLIAMS DISTAL MYOPATHY. Identifiers: Orphanet 63273, MedGen C3279722, MONDO:0013550, OMIM 614065.
Myofibrillar myopathy 5. Also called: Filaminopathy (type); FILAMINOPATHY, AUTOSOMAL DOMINANT. Identifiers: Orphanet 171445, MedGen C1836050, MONDO:0012289, OMIM 609524.
Hypertrophic cardiomyopathy 26. Also called: Cardiomyopathy, familial hypertrophic, 26. Identifiers: Orphanet 75249, MedGen C4310749, MONDO:0014883, OMIM 617047.

Allele frequency attached by ClinVar (database versions not stated): TOPMed 0.00006; ESP Exome Variant Server 0.00008.

Submissions (7):

Labcorp Genetics (formerly Invitae), Labcorp
Classification: Likely benign for Distal myopathy with posterior leg and anterior hand involvement; Myofibrillar myopathy 5; Hypertrophic cardiomyopathy 26. Last evaluated: 2025-08-24. Review status: criteria provided, single submitter. Criteria: Invitae Variant Classification Sherloc (09022015). Collection method: clinical testing. Allele origin: germline.

Ambry Genetics
Classification: Uncertain significance for Cardiovascular phenotype. Last evaluated: 2025-08-18. Review status: criteria provided, single submitter. Criteria: Ambry Variant Classification Scheme 2023. Collection method: clinical testing. Allele origin: germline.
Comment: The p.R334C variant (also known as c.1000C>T), located in coding exon 6 of the FLNC gene, results from a C to T substitution at nucleotide position 1000. The arginine at codon 334 is replaced by cysteine, an amino acid with highly dissimilar properties. This amino acid position is well conserved in available vertebrate species. In addition, the in silico prediction for this alteration is inconclusive. Since supporting evidence is limited at this time, the clinical significance of this alteration remains unclear.

PreventionGenetics, part of Exact Sciences
Classification: Uncertain significance for FLNC-related condition. Last evaluated: 2025-06-10. Review status: criteria provided, single submitter. Criteria: ACMG Guidelines, 2015. Collection method: clinical testing. Allele origin: germline.
Comment: The FLNC c.1000C>T variant is predicted to result in the amino acid substitution p.Arg334Cys. To our knowledge, this variant has not been reported in the literature. This variant is reported in 0.019% of alleles in individuals of African descent in gnomAD. Although we suspect that this variant may be benign, at this time, the clinical significance of this variant is uncertain due to the absence of conclusive functional and genetic evidence.

Blueprint Genetics
Classification: Likely benign. Last evaluated: 2024-08-06. Review status: criteria provided, single submitter. Criteria: ACMG Guidelines, 2015. Collection method: clinical testing. Allele origin: germline.

Revvity Omics, Revvity
Classification: Uncertain significance. Last evaluated: 2022-07-01. Review status: criteria provided, single submitter. Criteria: ACMG Guidelines, 2015. Collection method: clinical testing. Allele origin: germline.

Fulgent Genetics
Classification: Uncertain significance for Myofibrillar myopathy 5; Distal myopathy with posterior leg and anterior hand involvement; Hypertrophic cardiomyopathy 26. Last evaluated: 2021-08-18. Review status: criteria provided, single submitter. Criteria: ACMG Guidelines, 2015. Collection method: clinical testing. Allele origin: unknown.

GeneDx
Classification: Uncertain significance. Last evaluated: 2019-10-21. Review status: criteria provided, single submitter. Criteria: GeneDx Variant Classification Process June 2021. Collection method: clinical testing. Allele origin: germline. Affected: yes.
Comment: In silico analysis supports that this missense variant has a deleterious effect on protein structure/function; Has not been previously published as pathogenic or benign to our knowledge

NM_001458.5(FLNC):c.1000C>T (p.Arg334Cys)

Gene: FLNC (filamin C; plus strand). Cytogenetic location: 7q32.1.
Variant type: single nucleotide variant.
Coding change: c.1000C>T on transcript NM_001458.5 (MANE Select); coding-DNA position 1000, C replaced by T.
Protein change: p.Arg334Cys; replaces arginine 334 with cysteine.
Molecular consequence: missense variant.
Genome position (GRCh38, 1-based): chr7:128,838,017, C>T. VCF-style: chr7-128838017-C-T. GRCh37 (hg19) VCF-style: chr7-128478071-C-T.
Other names: c.1000C>T, p.Arg334Cys (NM_001127487.2); short protein forms R334C.
Identifiers: ClinVar variation 650633 (VCV000650633.21), dbSNP rs372497581, ClinGen allele CA4474192.